The following is an entry in ClinVar:

ClinVar aggregate classification (germline): Uncertain significance (1 of 4 stars; one submission).

Submission:

Labcorp Genetics (formerly Invitae), Labcorp
Classification: Uncertain significance. Last evaluated: 2024-11-08. Review status: criteria provided, single submitter. Criteria: Invitae Variant Classification Sherloc (09022015). Collection method: clinical testing. Allele origin: germline.
Comment: This sequence change falls in intron 17 of the SORL1 gene. It does not directly change the encoded amino acid sequence of the SORL1 protein. It affects a nucleotide within the consensus splice site. This variant is not present in population databases (gnomAD no frequency). This variant has not been reported in the literature in individuals affected with SORL1-related conditions. Variants that disrupt the consensus splice site are a relatively common cause of aberrant splicing (PMID: 17576681, 9536098). Algorithms developed to predict the effect of sequence changes on RNA splicing suggest that this variant may create or strengthen a splice site. In summary, the available evidence is currently insufficient to determine the role of this variant in disease. Therefore, it has been classified as a Variant of Uncertain Significance.

Literature cited by the submitters: PubMed 17576681; PubMed 9536098.

NM_003105.6(SORL1):c.2439+5G>T

Genes: SORL1 (sortilin related receptor 1; plus strand), LOC114803469 (SORL1 eExon liver enhancer; plus strand). Cytogenetic location: 11q24.1.
Variant type: single nucleotide variant.
Coding change: c.2439+5G>T on transcript NM_003105.6 (MANE Select); 5 bases into the intron after coding-DNA position 2439, G replaced by T.
Molecular consequence: intron variant.
Genome position (GRCh38, 1-based): chr11:121,554,114, G>T. VCF-style: chr11-121554114-G-T. GRCh37 (hg19) VCF-style: chr11-121424823-G-T.
Identifiers: ClinVar variation 3724862 (VCV003724862.2).